The following is an entry in ClinVar:

NM_001042492.3(NF1):c.3975-2A>G

Gene: NF1 (neurofibromin 1; plus strand). Cytogenetic location: 17q11.2.
Variant type: single nucleotide variant.
Coding change: c.3975-2A>G on transcript NM_001042492.3 (MANE Select); the canonical splice acceptor site of the intron before coding-DNA position 3975, A replaced by G.
Molecular consequence: splice acceptor variant.
Genome position (GRCh38, 1-based): chr17:31,248,982, A>G. VCF-style: chr17-31248982-A-G. GRCh37 (hg19) VCF-style: chr17-29576000-A-G.
Other names: c.3975-2A>G (NM_000267.4).
Identifiers: ClinVar variation 220232 (VCV000220232.23), dbSNP rs864622431, ClinGen allele CA349269.

ClinVar aggregate classification (germline): Pathogenic. Review status: criteria provided, multiple submitters, no conflicts (2 of 4 stars). 9 submissions from 9 submitters: Pathogenic (9). Last evaluated 2025-09-30.

Conditions:
Cardiovascular phenotype. Identifiers: MedGen CN230736.
Hereditary cancer-predisposing syndrome. Also called: Tumor predisposition; Neoplastic Syndromes, Hereditary; Hereditary Cancer Syndrome; Hereditary neoplastic syndrome. Identifiers: Orphanet 140162, MedGen C0027672, MeSH D009386, MONDO:0015356.
NF1-related disorder. Also called: NF1-related condition. Identifiers: MedGen CN379171.
Neurofibromatosis, type 1 (NF1). Also called: Neurofibromatosis, type I; Peripheral type neurofibromatosis; NEUROFIBROMATOSIS, TYPE I, SOMATIC; VON RECKLINGHAUSEN DISEASE. Identifiers: Orphanet 636, MedGen C0027831, MONDO:0018975, OMIM 162200. Disease mechanism: loss of function.

Allele frequency attached by ClinVar (database versions not stated): gnomAD exomes below 0.00001.
gnomAD v4.1: 2 of 1,613,698 alleles (0.00012%); highest among the groups gnomAD compares: Non-Finnish European, 0.00017%; no homozygotes.

Submissions (9):

Labcorp Genetics (formerly Invitae), Labcorp
Classification: Pathogenic for Neurofibromatosis, type 1. Last evaluated: 2025-09-30. Review status: criteria provided, single submitter. Criteria: Invitae Variant Classification Sherloc (09022015). Collection method: clinical testing. Allele origin: germline.
Comment: This sequence change affects an acceptor splice site in intron 29 of the NF1 gene. It is expected to disrupt RNA splicing. Variants that disrupt the donor or acceptor splice site typically lead to a loss of protein function (PMID: 16199547), and loss-of-function variants in NF1 are known to be pathogenic (PMID: 10712197, 23913538). This variant is present in population databases (no rsID available, gnomAD 0.0009%). Disruption of this splice site has been observed in individuals with neurofibromatosis type 1 (PMID: 10712197, 16786508, 18546366). Invitae Evidence Modeling of clinical and family history, age, sex, and reported ancestry of multiple individuals with this NF1 variant has been performed. This variant is expected to be pathogenic with a positive predictive value of at least 99%. This is a validated machine learning model that incorporates the clinical features of 1,785,918 individuals referred to our laboratory for NF1 testing. This variant is also known as IVS23.1-2A>G. ClinVar contains an entry for this variant (Variation ID: 220232). Algorithms developed to predict the effect of sequence changes on RNA splicing suggest that this variant may disrupt the consensus splice site. For these reasons, this variant has been classified as Pathogenic.

Ambry Genetics
Classification: Pathogenic for Cardiovascular phenotype; Hereditary cancer-predisposing syndrome. Last evaluated: 2025-02-18. Review status: criteria provided, single submitter. Criteria: Ambry Variant Classification Scheme 2023. Collection method: clinical testing. Allele origin: germline.
Comment: The c.3975-2A>G intronic pathogenic mutation results from an A to G substitution two nucleotides upstream from coding exon 30 in the NF1 gene. This variant was reported in individual(s) with features consistent with neurofibromatosis type 1 (Upadhyaya M et al. Hum Genet, 1997 Jan;99:88-92; Fahsold R et al. Am J Hum Genet, 2000 Mar;66:790-818; Ars E et al. J Med Genet, 2003 Jun;40:e82; Griffiths S et al. Fam Cancer, 2007;6:21-34; Pros E et al. Hum Mutat, 2008 Sep;29:E173-93; Ambry internal data). This nucleotide position is highly conserved in available vertebrate species. In silico splice site analysis predicts that this alteration will weaken the native splice acceptor site and will result in the creation or strengthening of a novel splice acceptor site. RNA studies have demonstrated that this alteration results in abnormal splicing (Fahsold R et al. Am J Hum Genet, 2000 Mar;66:790-818; Ars E et al. J Med Genet, 2003 Jun;40:e82; Pros E et al. Hum Mutat, 2008 Sep;29:E173-93; Ambry internal data). Based on the supporting evidence, this variant is interpreted as a disease-causing mutation.

Quest Diagnostics Nichols Institute San Juan Capistrano
Classification: Pathogenic. Last evaluated: 2024-11-19. Review status: criteria provided, single submitter. Criteria: Quest Diagnostics criteria. Collection method: clinical testing. Allele origin: unknown.
Comment: The NF1 c.3975-2A>G variant disrupts a canonical splice-acceptor site and interferes with normal NF1 mRNA splicing. This variant has been reported in the published literature in individuals with neurofibromatosis 1 (PMIDs: 16786508 (2006), 18546366 (2008), 31776437 (2020), and 37073110 (2022)). The frequency of this variant in the general population, 0.000004 (1/250764 chromosomes (Genome Aggregation Database)), is consistent with pathogenicity. Based on the available information, this variant is classified as pathogenic.

NHS Central & South Genomic Laboratory Hub
Classification: Pathogenic for Neurofibromatosis type 1. Last evaluated: 2024-11-11. Review status: criteria provided, single submitter. Criteria: ACMG Guidelines, 2015. Collection method: clinical testing. Allele origin: germline. Affected: yes.

GeneDx
Classification: Pathogenic. Last evaluated: 2024-02-16. Review status: criteria provided, single submitter. Criteria: GeneDx Variant Classification Process June 2021. Collection method: clinical testing. Allele origin: germline.
Comment: Canonical splice site variant predicted to result in a null allele in a gene for which loss of function is a known mechanism of disease; Not observed at significant frequency in large population cohorts (gnomAD); This variant is associated with the following publications: (PMID: 10712197, 25525159, 9003501, 16786508, 16944272, 18546366, 31776437, 36980803)

Institute for Genomic Medicine (IGM) Clinical Laboratory, Nationwide Children's Hospital
Classification: Pathogenic for Neurofibromatosis, type 1. Last evaluated: 2023-02-16. Review status: criteria provided, single submitter. Criteria: ACMG Guidelines, 2015. Collection method: clinical testing. Allele origin: germline.
Comment: This variant is predicted to result in loss of function through nonsense-mediated decay of the encoded transcript or premature truncation of the encoded protein in a gene in which loss of function is a known mechanism of disease (ACMG/AMP: PVS1). This variant has been reported at an elevated frequency in affected individuals/in multiple affected individuals in the literature (ACMG/AMP: PS4; PMIDs:9003501, 16786508, 16944272, 18546366, 23913538, 10712197). This variant is absent from or present at an exceedingly low frequency in gnomAD, a large-scale control population database (ACMG/AMP: PM2).

Blueprint Genetics
Classification: Pathogenic for NF1-related disorders. Last evaluated: 2022-04-01. Review status: criteria provided, single submitter. Criteria: ACMG Guidelines, 2015. Collection method: clinical testing. Allele origin: germline. Affected: yes. Observed: 1 variant allele.

Genome-Nilou Lab
Classification: Pathogenic for Neurofibromatosis, type 1. Last evaluated: 2022-03-15. Review status: criteria provided, single submitter. Criteria: ACMG Guidelines, 2015. Collection method: clinical testing. Allele origin: germline. Affected: no.

Genome Diagnostics Laboratory, The Hospital for Sick Children
Classification: Pathogenic for Neurofibromatosis, type 1. Last evaluated: 2020-10-26. Review status: criteria provided, single submitter. Criteria: ACMG Guidelines, 2015. Collection method: clinical testing. Allele origin: germline. Affected: yes.

Literature cited by the submitters: PubMed 16199547 (cited by Labcorp Genetics (formerly Invitae), Labcorp); PubMed 10712197 (cited by 3 submitters); PubMed 23913538 (cited by Labcorp Genetics (formerly Invitae), Labcorp and Institute for Genomic Medicine (IGM) Clinical Laboratory, Nationwide Children's Hospital); PubMed 16786508 (cited by 4 submitters); PubMed 18546366 (cited by 4 submitters); PubMed 12807981 (cited by Ambry Genetics); PubMed 16944272 (cited by Ambry Genetics and Institute for Genomic Medicine (IGM) Clinical Laboratory, Nationwide Children's Hospital); PubMed 9003501 (cited by Ambry Genetics and Institute for Genomic Medicine (IGM) Clinical Laboratory, Nationwide Children's Hospital); PubMed 37073110 (cited by Quest Diagnostics Nichols Institute San Juan Capistrano); PubMed 31776437 (cited by Quest Diagnostics Nichols Institute San Juan Capistrano).